The following is an entry in ClinVar:

ClinVar aggregate classification (germline): Likely benign. Review status: criteria provided, multiple submitters, no conflicts (2 of 4 stars). 2 submissions from 2 submitters: Likely benign (2). Last evaluated 2025-03-19.

Conditions:
Spastic paraplegia. Identifiers: MedGen C0037772, HP:0001258.

Allele frequency attached by ClinVar (database versions not stated): gnomAD 0.00004; TOPMed 0.00004; ESP Exome Variant Server 0.00008.
gnomAD v4.1: 76 of 1,613,930 alleles (0.0047%); highest among the groups gnomAD compares: Non-Finnish European, 0.0064%; no homozygotes.

Submissions (2):

Mayo Clinic Laboratories, Mayo Clinic
Classification: Likely benign. Last evaluated: 2025-03-19. Review status: criteria provided, single submitter. Criteria: ACMG Guidelines, 2015. Collection method: clinical testing. Allele origin: germline. Observed: 1 variant allele.
Comment: BP4, BP7

Labcorp Genetics (formerly Invitae), Labcorp
Classification: Likely benign for Spastic paraplegia. Last evaluated: 2024-12-16. Review status: criteria provided, single submitter. Criteria: Invitae Variant Classification Sherloc (09022015). Collection method: clinical testing. Allele origin: germline.

NM_183075.3(CYP2U1):c.930T>C (p.Asp310=)

Gene: CYP2U1 (cytochrome P450 family 2 subfamily U member 1; plus strand). Cytogenetic location: 4q25.
Variant type: single nucleotide variant.
Coding change: c.930T>C on transcript NM_183075.3 (MANE Select); coding-DNA position 930, T replaced by C.
Protein change: p.Asp310=; no amino-acid change (aspartic acid 310 retained).
Molecular consequence: synonymous variant.
Genome position (GRCh38, 1-based): chr4:107,945,409, T>C. VCF-style: chr4-107945409-T-C. GRCh37 (hg19) VCF-style: chr4-108866565-T-C.
Other names: p.Asp310=.
Identifiers: ClinVar variation 2049164 (VCV002049164.5), dbSNP rs373081734, ClinGen allele CA3037079.
Genomic context (GRCh38, chr4:107,945,409, plus strand): 5'-TGAAAAGGATATAACCAGTTTCCTTAAAAAAATCATCAAAGACCATCAAGAGTCTCTGGA[T>C]AGAGAGAACCCTCAGGACTTCATAGACATGTACCTTCTCCACATGGAAGAGGAGAGGAAA-3'
Protein context (NP_898898.1, residues 300-320): KIIKDHQESL[Asp310=]RENPQDFIDM